The following is an entry in ClinVar:

NM_000077.5(CDKN2A):c.290T>C (p.Leu97Pro)

Gene: CDKN2A (cyclin dependent kinase inhibitor 2A; minus strand). Cytogenetic location: 9p21.3.
Variant type: single nucleotide variant.
Coding change: c.290T>C on transcript NM_000077.5; coding-DNA position 290, T replaced by C.
Protein change: p.Leu97Pro; replaces leucine 97 with proline.
Molecular consequence: missense variant (on NM_000077.6). On other transcripts: synonymous variant (1), 3 prime UTR variant (1).
Genome position (GRCh38, 1-based): chr9:21,971,069, A>G on the plus strand (T>C on the coding strand, the complement: CDKN2A is on the minus strand). VCF-style: chr9-21971069-A-G. GRCh37 (hg19) VCF-style: chr9-21971068-A-G.
Other names: c.290T>C, p.Leu97Pro (NM_000077.6, NM_001195132.2); c.137T>C, p.Leu46Pro (NM_001363763.2); c.333T>C, p.Ala111= (NM_058195.4); c.*213T>C (NM_058197.5); short protein forms L46P, L97P.
Identifiers: ClinVar variation 962431 (VCV000962431.9), dbSNP rs1819702487, ClinGen allele CA373086129.

ClinVar aggregate classification (germline): Uncertain significance (1 of 4 stars; one submission).

Conditions:
Familial melanoma. Also called: Hereditary melanoma; Hereditary cutaneous melanoma. Identifiers: Orphanet 618, MedGen C1512419, MONDO:0018961.

Submission:

Labcorp Genetics (formerly Invitae), Labcorp
Classification: Uncertain significance for Familial melanoma. Last evaluated: 2019-10-23. Review status: criteria provided, single submitter. Criteria: Invitae Variant Classification Sherloc (09022015). Collection method: clinical testing. Allele origin: germline.
Comment: This variant is not present in population databases (ExAC no frequency). In summary, the available evidence is currently insufficient to determine the role of this variant in disease. Therefore, it has been classified as a Variant of Uncertain Significance. This variant disrupts the p.Leu97 amino acid residue in CDKN2A (p16INK4a). Other variant(s) that disrupt this residue have been determined to be pathogenic (PMID: 19260062, 21462282, 20340136, 23190892). This suggests that this residue is clinically significant, and that variants that disrupt this residue are likely to be disease-causing. Algorithms developed to predict the effect of missense changes on protein structure and function (SIFT, PolyPhen-2, Align-GVGD) all suggest that this variant is likely to be disruptive, but these predictions have not been confirmed by published functional studies and their clinical significance is uncertain. This variant has been observed in an individual with Barrett's esophagus (PMID: 19043591). This sequence change replaces leucine with proline at codon 97 of the CDKN2A (p16INK4a) protein (p.Leu97Pro). The leucine residue is highly conserved and there is a moderate physicochemical difference between leucine and proline.

Literature cited by the submitters: PubMed 19260062; PubMed 21462282; PubMed 20340136; PubMed 23190892; PubMed 19043591.